The following is an entry in ClinVar:

NM_000088.4(COL1A1):c.370-1G>A

Gene: COL1A1 (collagen type I alpha 1 chain; minus strand). Cytogenetic location: 17q21.33.
Variant type: single nucleotide variant.
Coding change: c.370-1G>A on transcript NM_000088.4 (MANE Select); the canonical splice acceptor site of the intron before coding-DNA position 370, G replaced by A.
Molecular consequence: splice acceptor variant.
Genome position (GRCh38, 1-based): chr17:50,199,328, C>T on the plus strand (G>A on the coding strand, the complement: COL1A1 is on the minus strand). VCF-style: chr17-50199328-C-T. GRCh37 (hg19) VCF-style: chr17-48276689-C-T.
Identifiers: ClinVar variation 1454657 (VCV001454657.7), dbSNP rs2144591532, ClinGen allele CA400227568.

ClinVar aggregate classification (germline): Pathogenic. Review status: criteria provided, multiple submitters, no conflicts (2 of 4 stars). 2 submissions from 2 submitters: Pathogenic (2). Last evaluated 2025-07-16.

Conditions:
Osteogenesis imperfecta type I (OI1). Also called: Lobstein disease; Classic Non-deforming Osteogenesis Imperfecta with Blue Sclerae; OI, TYPE I; OSTEOGENESIS IMPERFECTA TARDA; OSTEOGENESIS IMPERFECTA WITH BLUE SCLERAE; Osteogenesis imperfecta type 1. Identifiers: Orphanet 216796, Orphanet 666, MedGen C0023931, MONDO:0008146, OMIM 166200. Disease mechanism: loss of function.

Submissions (2):

Women's Health and Genetics/Laboratory Corporation of America, LabCorp
Classification: Pathogenic for Osteogenesis imperfecta type I. Last evaluated: 2025-07-16. Review status: criteria provided, single submitter. Criteria: LabCorp Variant Classification Summary - May 2015. Collection method: clinical testing. Allele origin: germline.
Comment: Variant summary: COL1A1 c.370-1G>A is located in a canonical splice-site and is predicted to affect mRNA splicing resulting in a significantly altered protein due to either exon skipping, shortening, or inclusion of intronic material. Variants that disrupt the consensus splice site are a relatively common cause of aberrant splicing and loss of COL1A1 function. Several computational tools predict a significant impact on normal splicing: Four predict the variant abolishes the canonical 3' acceptor site. Three also predict the variant creates a new 3' acceptor site. However, these predictions have yet to be confirmed by functional studies. The variant was absent in 166838 control chromosomes. c.370-1G>A has been observed in individuals affected with Osteogenesis imperfecta type I (e.g. Zhang_2012, Li_2019, Zhytnik_2019, Mei_2022). These data indicate that the variant is likely to be associated with disease. To our knowledge, no experimental evidence demonstrating an impact on protein function has been reported. The following publications have been ascertained in the context of this evaluation (PMID: 30715774, 37270749, 35909573, 21667357, 31447884). ClinVar contains an entry for this variant (Variation ID: 1454657). Based on the evidence outlined above, the variant was classified as pathogenic.

Labcorp Genetics (formerly Invitae), Labcorp
Classification: Pathogenic for Osteogenesis imperfecta type I. Last evaluated: 2021-07-09. Review status: criteria provided, single submitter. Criteria: Invitae Variant Classification Sherloc (09022015). Collection method: clinical testing. Allele origin: germline.
Comment: For these reasons, this variant has been classified as Pathogenic. Algorithms developed to predict the effect of sequence changes on RNA splicing suggest that this variant may disrupt the consensus splice site. Disruption of this splice site has been observed in individual(s) with osteogenesis imperfecta (PMID: 21667357). The frequency data for this variant in the population databases is considered unreliable, as metrics indicate insufficient coverage at this position in the ExAC database. This sequence change affects an acceptor splice site in intron 4 of the COL1A1 gene. It is expected to disrupt RNA splicing. Variants that disrupt the donor or acceptor splice site typically lead to a loss of protein function (PMID: 16199547), and loss-of-function variants in COL1A1 are known to be pathogenic (PMID: 7942841, 9295084, 9443882).

Literature cited by the submitters: PubMed 21667357 (cited by Women's Health and Genetics/Laboratory Corporation of America, LabCorp and Labcorp Genetics (formerly Invitae), Labcorp); PubMed 30715774 (cited by Women's Health and Genetics/Laboratory Corporation of America, LabCorp); PubMed 35909573 (cited by Women's Health and Genetics/Laboratory Corporation of America, LabCorp); PubMed 31447884 (cited by Women's Health and Genetics/Laboratory Corporation of America, LabCorp); PubMed 37270749 (cited by Women's Health and Genetics/Laboratory Corporation of America, LabCorp); PubMed 16199547 (cited by Labcorp Genetics (formerly Invitae), Labcorp); PubMed 7942841 (cited by Labcorp Genetics (formerly Invitae), Labcorp); PubMed 9295084 (cited by Labcorp Genetics (formerly Invitae), Labcorp); PubMed 9443882 (cited by Labcorp Genetics (formerly Invitae), Labcorp).